The following continues an entry in ClinVar:

NM_000237.3(LPL):c.644G>A (p.Gly215Glu)

Gene: LPL. ClinVar aggregate classification (germline): Pathogenic/Likely pathogenic. Pathogenic (20); Likely pathogenic (2).

Submissions 23 to 26 of 26:

Zotz-Klimas Genetics Lab, MVZ Zotz Klimas
Classification: Pathogenic for Hyperlipidemia, familial combined, LPL related. Last evaluated: 2023-11-02. Review status: no assertion criteria provided. Collection method: clinical testing. Allele origin: germline. Affected: yes. Not counted in ClinVar's aggregate classification.

OMIM
Classification: Pathogenic for LIPOPROTEIN LIPASE DEFICIENCY. Last evaluated: 2001-01-01. Review status: no assertion criteria provided. Collection method: literature only. Allele origin: germline. Not counted in ClinVar's aggregate classification.

Clinical Genetics, Academic Medical Center
Classification: Pathogenic. Review status: no assertion criteria provided. Collection method: clinical testing. Allele origin: germline. Affected: yes. Study: VKGL Data-share Consensus. Not counted in ClinVar's aggregate classification.

Joint Genome Diagnostic Labs from Nijmegen and Maastricht, Radboudumc and MUMC+
Classification: Likely pathogenic. Review status: no assertion criteria provided. Collection method: clinical testing. Allele origin: germline. Affected: yes. Study: VKGL Data-share Consensus. Not counted in ClinVar's aggregate classification.

Literature cited by the submitters: PubMed 1969408 (cited by 8 submitters); PubMed 22095987 (cited by 6 submitters); PubMed 28438574 (cited by 3 submitters); PubMed 1400331 (cited by 6 submitters); PubMed 29288010 (cited by 6 submitters); PubMed 24291057 (cited by Natera, Inc.); PubMed 1351946 (cited by 6 submitters); PubMed 1975597 (cited by 5 submitters); PubMed 11334614 (cited by Ambry Genetics and OMIM); PubMed 24503134 (cited by Ambry Genetics and AiLife Diagnostics); PubMed 24591733 (cited by Ambry Genetics); PubMed 24793350 (cited by 4 submitters); PubMed 25966443 (cited by Ambry Genetics); PubMed 27055971 (cited by 3 submitters); PubMed 29748148 (cited by 3 submitters); PubMed 20301485 (cited by Rady Children's Institute for Genomic Medicine, Rady Children's Hospital San Diego); PubMed 4793350 (cited by Rady Children's Institute for Genomic Medicine, Rady Children's Hospital San Diego); PubMed 2719595 (cited by Rady Children's Institute for Genomic Medicine, Rady Children's Hospital San Diego); PubMed 22239554 (cited by Rady Children's Institute for Genomic Medicine, Rady Children's Hospital San Diego); PubMed 1619366 (cited by Rady Children's Institute for Genomic Medicine, Rady Children's Hospital San Diego and Mayo Clinic Laboratories, Mayo Clinic); PubMed 28445021 (cited by Rady Children's Institute for Genomic Medicine, Rady Children's Hospital San Diego and Victorian Clinical Genetics Services, Murdoch Childrens Research Institute); PubMed 26337181 (cited by Rady Children's Institute for Genomic Medicine, Rady Children's Hospital San Diego and Dasa); PubMed 35837325 (cited by Women's Health and Genetics/Laboratory Corporation of America, LabCorp and Mayo Clinic Laboratories, Mayo Clinic); PubMed 10359734 (cited by Mayo Clinic Laboratories, Mayo Clinic); PubMed 24747307 (cited by Mayo Clinic Laboratories, Mayo Clinic and AiLife Diagnostics); PubMed 30352774 (cited by Mayo Clinic Laboratories, Mayo Clinic); PubMed 34363016 (cited by Mayo Clinic Laboratories, Mayo Clinic); PubMed 30210108 (cited by Victorian Clinical Genetics Services, Murdoch Childrens Research Institute and AiLife Diagnostics); PubMed 30150141 (cited by AiLife Diagnostics); PubMed 31589614 (cited by AiLife Diagnostics); PubMed 32041611 (cited by AiLife Diagnostics); PubMed 33303402 (cited by AiLife Diagnostics); PubMed 32472350 (cited by AiLife Diagnostics); PubMed 18922999 (cited by AiLife Diagnostics); PubMed 12905705 (cited by AiLife Diagnostics); PubMed 9401010 (cited by Dasa); PubMed 29054425 (cited by Dasa); PubMed 6645961 (cited by OMIM); PubMed 2914262 (cited by OMIM); PubMed 2394828 (cited by OMIM); PubMed 1872917 (cited by OMIM).